The following is an entry in ClinVar:

NM_007294.4(BRCA1):c.497G>A (p.Arg166Lys)

Gene: BRCA1 (BRCA1 DNA repair associated; minus strand). Cytogenetic location: 17q21.31.
Variant type: single nucleotide variant.
Coding change: c.497G>A on transcript NM_007294.4 (MANE Select); coding-DNA position 497, G replaced by A.
Protein change: p.Arg166Lys; replaces arginine 166 with lysine.
Molecular consequence: missense variant. On other transcripts: non-coding transcript variant (1).
Genome position (GRCh38, 1-based): chr17:43,099,825, C>T on the plus strand (G>A on the coding strand, the complement: BRCA1 is on the minus strand). VCF-style: chr17-43099825-C-T. GRCh37 (hg19) VCF-style: chr17-41251842-C-T.
Other names: c.284G>A, p.Arg95Lys (NM_001407571.1, NM_001407853.1, NM_001407894.1 and 18 more transcripts); c.497G>A, p.Arg166Lys (NM_001407581.1, NM_001407582.1, NM_001407583.1 and 97 more transcripts); c.494G>A, p.Arg165Lys (NM_001407587.1, NM_001407590.1, NM_001407591.1 and 65 more transcripts); c.488G>A, p.Arg163Lys (NM_001407646.1, NM_001407647.1, NM_001408408.1); c.419G>A, p.Arg140Lys (NM_001407653.1, NM_001407654.1, NM_001407655.1 and 12 more transcripts); c.416G>A, p.Arg139Lys (NM_001407659.1, NM_001407660.1, NM_001407661.1 and 6 more transcripts); c.356G>A, p.Arg119Lys (NM_001407692.1, NM_001407694.1, NM_001407695.1 and 61 more transcripts); c.353G>A, p.Arg118Lys (NM_001407740.1, NM_001407741.1, NM_001407742.1 and 35 more transcripts); and 4 more; short protein forms R119K, R166K, R139K, R163K, R38K, R39K, R118K, R121K.
Identifiers: ClinVar variation 925718 (VCV000925718.6), dbSNP rs2054298062, ClinGen allele CA10601149.

ClinVar aggregate classification (germline): Uncertain significance. Review status: criteria provided, multiple submitters, no conflicts (2 of 4 stars). 3 submissions from 3 submitters: Uncertain significance (3). Last evaluated 2026-04-01.

Conditions:
Hereditary cancer-predisposing syndrome. Also called: Hereditary neoplastic syndrome; Tumor predisposition; Neoplastic Syndromes, Hereditary; Hereditary Cancer Syndrome. Identifiers: Orphanet 140162, MedGen C0027672, MeSH D009386, MONDO:0015356.
Breast-ovarian cancer, familial, susceptibility to, 1 (BROVCA1). Also called: BRCA1 Hereditary Breast and Ovarian Cancer; OVARIAN CANCER, SUSCEPTIBILITY TO. Identifiers: Orphanet 145, MedGen C2676676, MONDO:0011450, OMIM 604370. Disease mechanism: loss of function.

Submissions (3):

Women's Health and Genetics/Laboratory Corporation of America, LabCorp
Classification: Uncertain significance. Last evaluated: 2026-04-01. Review status: criteria provided, single submitter. Criteria: LabCorp Variant Classification Summary - May 2015. Collection method: clinical testing. Allele origin: germline.
Comment: Variant summary: BRCA1 c.497G>A (p.Arg166Lys) results in a conservative amino acid change in the encoded protein sequence. Algorithms developed to predict the effect of missense changes on protein structure and function are either unavailable or do not agree on the potential impact of this missense change. The variant was absent in 251476 control chromosomes. The available data on variant occurrences in the general population are insufficient to allow any conclusion about variant significance. c.497G>A has been observed in individual(s) affected with Hereditary Breast And Ovarian Cancer Syndrome (Chen_2024). These report(s) do not provide unequivocal conclusions about association of the variant with Hereditary Breast And Ovarian Cancer Syndrome. To our knowledge, no experimental evidence demonstrating an impact on protein function has been reported. The following publication has been ascertained in the context of this evaluation (PMID: 38895905). ClinVar contains an entry for this variant (Variation ID: 925718). Based on the evidence outlined above, the variant was classified as uncertain significance.

All of Us Research Program, National Institutes of Health
Classification: Uncertain significance for Breast-ovarian cancer, familial, susceptibility to, 1. Last evaluated: 2023-03-04. Review status: criteria provided, single submitter. Criteria: ACMG Guidelines, 2015. Collection method: clinical testing. Allele origin: germline. Inheritance: Autosomal dominant inheritance. Observed: 1 variant allele, 1 heterozygote.
Comment: This missense variant replaces arginine with lysine at codon 166 of the BRCA1 protein. Computational prediction is inconclusive regarding the impact of this variant on protein structure and function (internally defined REVEL score threshold 0.5 < inconclusive < 0.7, PMID: 27666373). Splice site prediction tools suggest that this variant may not impact RNA splicing. To our knowledge, functional studies have not been performed for this variant. This variant has not been reported in individuals affected with hereditary cancer in the literature. This variant has not been identified in the general population by the Genome Aggregation Database (gnomAD). The available evidence is insufficient to determine the role of this variant in disease conclusively. Therefore, this variant is classified as a Variant of Uncertain Significance.

This study involves interpretation of variants in research participants for the purpose of population health screening. Participant phenotype was not available at the time of variant classification. Additional details can be found in publication PMID: 35346344, PMCID: PMC8962531

Color Diagnostics, LLC DBA Color Health
Classification: Uncertain significance for Hereditary cancer-predisposing syndrome. Last evaluated: 2019-11-26. Review status: criteria provided, single submitter. Criteria: ACMG Guidelines, 2015. Collection method: clinical testing. Allele origin: germline.
Comment: This missense variant replaces arginine with lysine at codon 166 of the BRCA1 protein. Computational prediction is inconclusive regarding the impact of this variant on protein structure and function (internally defined REVEL score threshold 0.5 < inconclusive < 0.7, PMID: 27666373). Splice site prediction tools suggest that this variant may not impact RNA splicing. To our knowledge, functional studies have not been performed for this variant. This variant has not been reported in individuals affected with hereditary cancer in the literature. This variant has not been identified in the general population by the Genome Aggregation Database (gnomAD). The available evidence is insufficient to determine the role of this variant in disease conclusively. Therefore, this variant is classified as a Variant of Uncertain Significance.

Literature cited by the submitters: PubMed 38895905 (cited by Women's Health and Genetics/Laboratory Corporation of America, LabCorp).